The following is an entry in ClinVar:

ClinVar aggregate classification (germline): Conflicting classifications of pathogenicity. Review status: criteria provided, conflicting classifications (1 of 4 stars). 4 submissions from 4 submitters: Uncertain significance (2); Likely benign (2). Last evaluated 2026-01-28.

Conditions:
Joubert syndrome 14 (JBTS14). Identifiers: MedGen C3280766, MONDO:0013745, OMIM 614424.

Allele frequency attached by ClinVar (database versions not stated): 1000 Genomes Project 30x 0.00047; 1000 Genomes Project 0.00060; ExAC 0.00110; ESP Exome Variant Server 0.00127; gnomAD 0.00132 and 0.00136; TOPMed 0.00136.
gnomAD v4.1: 803 of 1,581,760 alleles (0.051%); highest among the groups gnomAD compares: Middle Eastern, 0.65%; 6 homozygotes.

Submissions (4):

Labcorp Genetics (formerly Invitae), Labcorp
Classification: Likely benign for Joubert syndrome 14. Last evaluated: 2026-01-28. Review status: criteria provided, single submitter. Criteria: Invitae Variant Classification Sherloc (09022015). Collection method: clinical testing. Allele origin: germline.

Blueprint Genetics
Classification: Likely benign. Last evaluated: 2024-11-21. Review status: criteria provided, single submitter. Criteria: ACMG Guidelines, 2015. Collection method: clinical testing. Allele origin: germline.

Illumina Laboratory Services, Illumina
Classification: Uncertain significance for Joubert syndrome 14. Last evaluated: 2018-01-13. Review status: criteria provided, single submitter. Criteria: ICSL Variant Classification Criteria 13 December 2019. Collection method: clinical testing. Allele origin: germline.

GeneDx
Classification: Uncertain significance. Last evaluated: 2016-12-14. Review status: criteria provided, single submitter. Criteria: GeneDx Variant Classification (06012015). Collection method: clinical testing. Allele origin: germline. Affected: yes.
Comment: A variant of uncertain significance has been identified in the TMEM237 gene. The R33C variant has not been published as a pathogenic variant, nor has it been reported as a benign variant to our knowledge. The R33C variant is observed in 20/3490 (0.6%) alleles from individuals of African background (Lek et al., 2016; 1000 Genomes Consortium et al., 2015; Exome Variant Server). The R33C variant is a non-conservative amino acid substitution, which is likely to impact secondary protein structure as these residues differ in polarity, charge, size and/or other properties. This substitution occurs at a position where amino acids with similar properties to Arginine are tolerated across species. In silico analysis is inconsistent in its predictions as to whether or not the variant is damaging to the protein structure/function. Based on the currently available information, it is unclear whether this variant is a pathogenic variant or a rare benign variant.

NM_001044385.3(TMEM237):c.97C>T (p.Arg33Cys)

Gene: TMEM237 (transmembrane protein 237; minus strand). Cytogenetic location: 2q33.1.
Variant type: single nucleotide variant.
Coding change: c.97C>T on transcript NM_001044385.3 (MANE Select); coding-DNA position 97, C replaced by T.
Protein change: p.Arg33Cys; replaces arginine 33 with cysteine.
Molecular consequence: missense variant.
Genome position (GRCh38, 1-based): chr2:201,639,028, G>A on the plus strand (C>T on the coding strand, the complement: TMEM237 is on the minus strand). VCF-style: chr2-201639028-G-A. GRCh37 (hg19) VCF-style: chr2-202503751-G-A.
Other names: c.73C>T, p.Arg25Cys (NM_152388.4); short protein forms R25C, R33C.
Identifiers: ClinVar variation 373720 (VCV000373720.17), dbSNP rs200714434, ClinGen allele CA2056583.
Genomic context (GRCh38, chr2:201,639,028, plus strand): 5'-CAACAAAGAATAACGTCTTACCTGGTGTGTTTTTTGTTCTGGGCTTCTTTTTCTTAGGAC[G>A]ACTAAGTGGAATATCATCTATAAAGCAAGAAAAAACGTCAACAGAAAAGGGTGCCTAAAA-3'
Protein context (NP_001037850.1, residues 23-43): VPSQDDIPLS[Arg33Cys]PKKKKPRTKN